The following is an entry in ClinVar:

ClinVar aggregate classification (germline): Uncertain significance (1 of 4 stars; one submission).

Conditions:
NOTCH2-related disorder. Also called: NOTCH2-related condition.

gnomAD v4.1: 1 of 1,614,168 alleles (0.000062%); highest among the groups gnomAD compares: African/African-American, 0.0013%; no homozygotes.

Submission:

PreventionGenetics, part of Exact Sciences
Classification: Uncertain significance for NOTCH2-related condition. Last evaluated: 2025-03-21. Review status: criteria provided, single submitter. Criteria: ACMG Guidelines, 2015. Collection method: clinical testing. Allele origin: germline.
Comment: The NOTCH2 c.3611A>G variant is predicted to result in the amino acid substitution p.Asp1204Gly. To our knowledge, this variant has not been reported in the literature or in a large population database (gnomAD), indicating this variant is rare. At this time, the clinical significance of this variant is uncertain due to the absence of conclusive functional and genetic evidence.

NM_024408.4(NOTCH2):c.3611A>G (p.Asp1204Gly)

Gene: NOTCH2 (notch receptor 2; minus strand). Cytogenetic location: 1p12.
Variant type: single nucleotide variant.
Coding change: c.3611A>G on transcript NM_024408.4 (MANE Select); coding-DNA position 3611, A replaced by G.
Protein change: p.Asp1204Gly; replaces aspartic acid 1204 with glycine.
Molecular consequence: missense variant.
Genome position (GRCh38, 1-based): chr1:119,935,516, T>C on the plus strand (A>G on the coding strand, the complement: NOTCH2 is on the minus strand). VCF-style: chr1-119935516-T-C. GRCh37 (hg19) VCF-style: chr1-120478139-T-C.
Other names: c.3611A>G, p.Asp1204Gly (NM_001200001.2); short protein forms D1204G.
Identifiers: ClinVar variation 4990290 (VCV004990290.1).